The following is an entry in ClinVar:

NM_001370259.2(MEN1):c.715A>G (p.Met239Val)

Gene: MEN1 (menin 1; minus strand). Cytogenetic location: 11q13.1.
Variant type: single nucleotide variant.
Coding change: c.715A>G on transcript NM_001370259.2 (MANE Select); coding-DNA position 715, A replaced by G.
Protein change: p.Met239Val; replaces methionine 239 with valine.
Molecular consequence: missense variant. On other transcripts: non-coding transcript variant (4).
Genome position (GRCh38, 1-based): chr11:64,807,620, T>C on the plus strand (A>G on the coding strand, the complement: MEN1 is on the minus strand). VCF-style: chr11-64807620-T-C. GRCh37 (hg19) VCF-style: chr11-64575092-T-C.
Other names: c.730A>G, p.Met244Val (NM_000244.4, NM_001407145.1, NM_001407150.1 and 5 more transcripts); c.715A>G, p.Met239Val (NM_001370251.2, NM_001370260.2, NM_001370261.2 and 7 more transcripts); c.610A>G, p.Met204Val (NM_001370262.2, NM_001370263.2, NM_001407148.1 and 2 more transcripts); short protein forms M204V, M239V, M244V.
Identifiers: ClinVar variation 3073565 (VCV003073565.1), dbSNP rs1941824756, ClinGen allele CA381184528.

ClinVar aggregate classification (germline): Uncertain significance (1 of 4 stars; one submission).

Conditions:
Multiple endocrine neoplasia, type 1 (MEN1). Also called: MEN I; WERMER SYNDROME; Endocrine adenomatosis multiple; MEN 1; MEA I. Identifiers: Orphanet 652, MedGen C0025267, MeSH D018761, MONDO:0007540, OMIM 131100.

Allele frequency attached by ClinVar (database versions not stated): TOPMed below 0.00001.

Submission:

All of Us Research Program, National Institutes of Health
Classification: Uncertain significance for Multiple endocrine neoplasia, type 1. Last evaluated: 2023-10-02. Review status: criteria provided, single submitter. Criteria: ACMG Guidelines, 2015. Collection method: clinical testing. Allele origin: germline. Inheritance: Autosomal dominant inheritance. Observed: 1 variant allele, 1 heterozygote.
Comment: This missense variant replaces methionine with valine at codon 239 of the MEN1 protein. Computational prediction suggests that this variant may have deleterious impact on protein structure and function (internally defined REVEL score threshold >= 0.7, PMID: 27666373). To our knowledge, functional studies have not been reported for this variant. This variant has not been reported in individuals affected with MEN1-related disorders in the literature. This variant has not been identified in the general population by the Genome Aggregation Database (gnomAD). The available evidence is insufficient to determine the role of this variant in disease conclusively. Therefore, this variant is classified as a Variant of Uncertain Significance.

This study involves interpretation of variants in research participants for the purpose of population health screening. Participant phenotype was not available at the time of variant classification. Additional details can be found in publication PMID: 35346344, PMCID: PMC8962531